The following is an entry in ClinVar:

ClinVar aggregate classification (germline): Uncertain significance (1 of 4 stars; one submission).

Allele frequency attached by ClinVar (database versions not stated): gnomAD exomes below 0.00001 and 0.00001; ExAC 0.00001; TOPMed 0.00002.
gnomAD v4.1: 7 of 1,613,724 alleles (0.00043%); highest among the groups gnomAD compares: East Asian, 0.0045%; no homozygotes.

Submission:

Labcorp Genetics (formerly Invitae), Labcorp
Classification: Uncertain significance. Last evaluated: 2024-03-01. Review status: criteria provided, single submitter. Criteria: Invitae Variant Classification Sherloc (09022015). Collection method: clinical testing. Allele origin: germline.
Comment: This sequence change replaces arginine, which is basic and polar, with tryptophan, which is neutral and slightly polar, at codon 85 of the ROM1 protein (p.Arg85Trp). This variant is present in population databases (rs759752657, gnomAD 0.006%). This missense change has been observed in individual(s) with clinically suspected inherited retinal disease (PMID: 31054281). ClinVar contains an entry for this variant (Variation ID: 1036113). Advanced modeling of protein sequence and biophysical properties (such as structural, functional, and spatial information, amino acid conservation, physicochemical variation, residue mobility, and thermodynamic stability) performed at Invitae indicates that this missense variant is not expected to disrupt ROM1 protein function with a negative predictive value of 80%. In summary, the available evidence is currently insufficient to determine the role of this variant in disease. Therefore, it has been classified as a Variant of Uncertain Significance.

Literature cited by the submitters: PubMed 31054281.

NM_000327.4(ROM1):c.253C>T (p.Arg85Trp)

Gene: ROM1 (retinal outer segment membrane protein 1; plus strand). Cytogenetic location: 11q12.3.
Variant type: single nucleotide variant.
Coding change: c.253C>T on transcript NM_000327.4 (MANE Select); coding-DNA position 253, C replaced by T.
Protein change: p.Arg85Trp; replaces arginine 85 with tryptophan.
Molecular consequence: missense variant.
Genome position (GRCh38, 1-based): chr11:62,613,534, C>T. VCF-style: chr11-62613534-C-T. GRCh37 (hg19) VCF-style: chr11-62381006-C-T.
Other names: short protein forms R85W.
Identifiers: ClinVar variation 1036113 (VCV001036113.8), dbSNP rs759752657, ClinGen allele CA6049679.
Genomic context (GRCh38, chr11:62,613,534, plus strand): 5'-GCTGCCCTGGCAGCGGGCGCGGTGGCTCTGGGCACAGGACTAGTGGGTGTAGGAGCCAGC[C>T]GGGCAAGTCTGAATGCAGCTCTATACCCTCCCTGGCGAGGGGTCCTGGGCCCGCTGCTGG-3'
Protein context (NP_000318.2, residues 75-95): GTGLVGVGAS[Arg85Trp]ASLNAALYPP